The following is an entry in ClinVar:

NM_001040716.2(PC):c.1552G>A (p.Val518Ile)

Gene: PC (pyruvate carboxylase; minus strand). Cytogenetic location: 11q13.2.
Variant type: single nucleotide variant.
Coding change: c.1552G>A on transcript NM_001040716.2 (MANE Select); coding-DNA position 1552, G replaced by A.
Protein change: p.Val518Ile; replaces valine 518 with isoleucine.
Molecular consequence: missense variant.
Genome position (GRCh38, 1-based): chr11:66,852,798, C>T on the plus strand (G>A on the coding strand, the complement: PC is on the minus strand). VCF-style: chr11-66852798-C-T. GRCh37 (hg19) VCF-style: chr11-66620269-C-T.
Other names: c.1552G>A, p.Val518Ile (NM_000920.4, NM_022172.3); short protein forms V518I.
Identifiers: ClinVar variation 2204075 (VCV002204075.4), dbSNP rs569110648, ClinGen allele CA6131338.

ClinVar aggregate classification (germline): Uncertain significance. Review status: criteria provided, multiple submitters, no conflicts (2 of 4 stars). 2 submissions from 2 submitters: Uncertain significance (2). Last evaluated 2025-11-20.

Conditions:
Pyruvate carboxylase deficiency. Also called: LEIGH NECROTIZING ENCEPHALOPATHY DUE TO PYRUVATE CARBOXYLASE DEFICIENCY; LEIGH SYNDROME DUE TO PYRUVATE CARBOXYLASE DEFICIENCY; PC DEFICIENCY; ATAXIA WITH LACTIC ACIDOSIS II; Pyruvate Carboxylase Deficiency Disease. Identifiers: Orphanet 3008, MedGen C0034341, MONDO:0009949, OMIM 266150.
Inborn genetic diseases. Identifiers: MedGen C0950123, MeSH D030342.

Allele frequency attached by ClinVar (database versions not stated): TOPMed 0.00001; ExAC 0.00003; gnomAD 0.00003; gnomAD exomes 0.00003.
gnomAD v4.1: 45 of 1,591,342 alleles (0.0028%); highest among the groups gnomAD compares: East Asian, 0.009%; no homozygotes.

Submissions (2):

Ambry Genetics
Classification: Uncertain significance for Inborn genetic diseases. Last evaluated: 2025-11-20. Review status: criteria provided, single submitter. Criteria: Ambry Variant Classification Scheme 2023. Collection method: clinical testing. Allele origin: germline.

Labcorp Genetics (formerly Invitae), Labcorp
Classification: Uncertain significance for Pyruvate carboxylase deficiency. Last evaluated: 2025-10-29. Review status: criteria provided, single submitter. Criteria: Invitae Variant Classification Sherloc (09022015). Collection method: clinical testing. Allele origin: germline.
Comment: This sequence change replaces valine, which is neutral and non-polar, with isoleucine, which is neutral and non-polar, at codon 518 of the PC protein (p.Val518Ile). This variant is present in population databases (rs569110648, gnomAD 0.005%). This variant has not been reported in the literature in individuals affected with PC-related conditions. ClinVar contains an entry for this variant (Variation ID: 2204075). Invitae Evidence Modeling of protein sequence and biophysical properties (such as structural, functional, and spatial information, amino acid conservation, physicochemical variation, residue mobility, and thermodynamic stability) indicates that this missense variant is not expected to disrupt PC protein function with a negative predictive value of 95%. In summary, the available evidence is currently insufficient to determine the role of this variant in disease. Therefore, it has been classified as a Variant of Uncertain Significance.